The following is an entry in ClinVar:

ClinVar aggregate classification (germline): Pathogenic (1 of 4 stars; one submission).

Submission:

Labcorp Genetics (formerly Invitae), Labcorp
Classification: Pathogenic. Last evaluated: 2023-02-11. Review status: criteria provided, single submitter. Criteria: Invitae Variant Classification Sherloc (09022015). Collection method: clinical testing. Allele origin: unknown.
Comment: This variant is a gross deletion of the genomic region encompassing exon(s) 1-10 of the PAFAH1B1 gene, which includes the initiator codon. This deletion extends beyond the assayed region for this gene and therefore may encompass additional genes. It is expected to result in an absent or disrupted protein product. Loss-of-function variants in PAFAH1B1 are known to be pathogenic (PMID: 1671808, 11115846, 14581661). This variant has not been reported in the literature in individuals affected with PAFAH1B1-related conditions. For these reasons, this variant has been classified as Pathogenic.

Literature cited by the submitters: PubMed 1671808; PubMed 11115846; PubMed 14581661.

NC_000017.10:g.(?_1648982)_(2583634_?)del

Genes: DPH1 (diphthamide biosynthesis 1; plus strand), HIC1 (HIC ZBTB transcriptional repressor 1; plus strand), METTL16 (methyltransferase 16, RNA N6-adenosine; minus strand), MIR132 (microRNA 132; minus strand), MIR212 (microRNA 212; minus strand) and 12 more. Cytogenetic location: 17p13.3.
Variant type: Deletion.
Identifiers: ClinVar variation 3243118 (VCV003243118.1).